The following is an entry in ClinVar:

NM_024675.4(PALB2):c.-104C>T

Gene: PALB2 (partner and localizer of BRCA2; minus strand). Cytogenetic location: 16p12.2.
Variant type: single nucleotide variant.
Coding change: c.-104C>T on transcript NM_024675.4 (MANE Select); 104 bases upstream of the start codon, C replaced by T.
Molecular consequence: 5 prime UTR variant.
Genome position (GRCh38, 1-based): chr16:23,641,261, G>A on the plus strand (C>T on the coding strand, the complement: PALB2 is on the minus strand). VCF-style: chr16-23641261-G-A. GRCh37 (hg19) VCF-style: chr16-23652582-G-A.
Other names: NM_024675.3:c.-104C>T.
Identifiers: ClinVar variation 126569 (VCV000126569.3), dbSNP rs1597102015, ClinGen allele CA915949152.

ClinVar aggregate classification (germline): Likely benign (0 of 4 stars; one submission).

Conditions:
Familial cancer of breast. Also called: BREAST CANCER, FAMILIAL; hereditary breast carcinoma; Hereditary breast cancer. Identifiers: Orphanet 227535, MedGen C0346153, MONDO:0016419, OMIM 114480. Disease mechanism: loss of function.

Submission:

Leiden Open Variation Database
Classification: Likely benign for Familial cancer of breast. Last evaluated: 2019-05-13. Review status: no assertion criteria provided. Collection method: curation. Allele origin: germline. Affected: yes.
Comment: Curators: Marc Tischkowitz, Arleen D. Auerbach. Submitter to LOVD: Marc Tischkowitz.

Literature cited by the submitters: PubMed 20091115.